The following is an entry in ClinVar:

ClinVar aggregate classification (germline): Likely pathogenic (1 of 4 stars; one submission).

Allele frequency attached by ClinVar (database versions not stated): gnomAD exomes below 0.00001.
gnomAD v4.1: 1 of 1,613,524 alleles (0.000062%); no homozygotes.

Submission:

GeneDx
Classification: Likely pathogenic. Last evaluated: 2016-10-07. Review status: criteria provided, single submitter. Criteria: GeneDx Variant Classification (06012015). Collection method: clinical testing. Allele origin: germline. Affected: yes.
Comment: The c.8965+1G>A variant in the COL6A3 gene has not been reported previously as a pathogenic variant, nor as a benign variant, to our knowledge. This splice site variant destroys the canonical splice donor site in intron 40. It is predicted to cause abnormal gene splicing, either leading to an abnormal message that is subject to nonsense-mediated mRNA decay, or to an abnormal protein product if the message is used for protein translation. The c.8965+1G>A variant was not observed in approximately 6200 individuals of European and African American ancestry in the NHLBI Exome Sequencing Project, indicating it is not a common benign variant in these populations. The c.8965+1G>A variant is a strong candidate for a pathogenic variant.

NM_004369.4(COL6A3):c.8965+1G>A

Gene: COL6A3 (collagen type VI alpha 3 chain; minus strand). Cytogenetic location: 2q37.3.
Variant type: single nucleotide variant.
Coding change: c.8965+1G>A on transcript NM_004369.4 (MANE Select); the canonical splice donor site of the intron after coding-DNA position 8965, G replaced by A.
Molecular consequence: splice donor variant.
Genome position (GRCh38, 1-based): chr2:237,336,134, C>T on the plus strand (G>A on the coding strand, the complement: COL6A3 is on the minus strand). VCF-style: chr2-237336134-C-T. GRCh37 (hg19) VCF-style: chr2-238244777-C-T.
Other names: c.7144+1G>A (NM_057166.5); c.8347+1G>A (NM_057167.4).
Identifiers: ClinVar variation 422350 (VCV000422350.2), dbSNP rs995147980, ClinGen allele CA16617499.